The following is an entry in ClinVar:

NM_017654.4(SAMD9):c.3454C>G (p.Leu1152Val)

Gene: SAMD9 (sterile alpha motif domain containing 9; minus strand). Cytogenetic location: 7q21.2.
Variant type: single nucleotide variant.
Coding change: c.3454C>G on transcript NM_017654.4 (MANE Select); coding-DNA position 3454, C replaced by G.
Protein change: p.Leu1152Val; replaces leucine 1152 with valine.
Molecular consequence: missense variant.
Genome position (GRCh38, 1-based): chr7:93,102,644, G>C on the plus strand (C>G on the coding strand, the complement: SAMD9 is on the minus strand). VCF-style: chr7-93102644-G-C. GRCh37 (hg19) VCF-style: chr7-92731957-G-C.
Other names: c.3454C>G, p.Leu1152Val (NM_001193307.2); short protein forms L1152V.
Identifiers: ClinVar variation 1039202 (VCV001039202.6), dbSNP rs1791553808, ClinGen allele CA368185011.
Genomic context (GRCh38, chr7:93,102,644, plus strand): 5'-CTTCACTTTGCTGTTGAGATTCTTTGAATGCACTTGAGGCATGTTCTGCTAAATCCAAAA[G>C]AGCAATTAGATCATCAACTGAAATGTTCCCGTTTCCTCCGTTTTCCTCTATCCACCATCT-3'
Protein context (NP_060124.2, residues 1142-1162): GNISVDDLIA[Leu1152Val]LDLAEHASSA

ClinVar aggregate classification (germline): Uncertain significance (1 of 4 stars; one submission).

Submission:

Labcorp Genetics (formerly Invitae), Labcorp
Classification: Uncertain significance. Last evaluated: 2021-08-24. Review status: criteria provided, single submitter. Criteria: Invitae Variant Classification Sherloc (09022015). Collection method: clinical testing. Allele origin: germline.
Comment: This sequence change replaces leucine with valine at codon 1152 of the SAMD9 protein (p.Leu1152Val). The leucine residue is moderately conserved and there is a small physicochemical difference between leucine and valine. This variant is not present in population databases (ExAC no frequency). This variant has not been reported in the literature in individuals affected with SAMD9-related conditions. Algorithms developed to predict the effect of missense changes on protein structure and function are either unavailable or do not agree on the potential impact of this missense change (SIFT: "Deleterious"; PolyPhen-2: "Possibly Damaging"; Align-GVGD: "Class C0"). In summary, the available evidence is currently insufficient to determine the role of this variant in disease. Therefore, it has been classified as a Variant of Uncertain Significance.